The following is an entry in ClinVar:

ClinVar aggregate classification (germline): Uncertain significance (1 of 4 stars; one submission).

Submission:

Labcorp Genetics (formerly Invitae), Labcorp
Classification: Uncertain significance. Last evaluated: 2021-05-14. Review status: criteria provided, single submitter. Criteria: Invitae Variant Classification Sherloc (09022015). Collection method: clinical testing. Allele origin: germline.
Comment: This variant has not been reported in the literature in individuals with TAPT1-related conditions. This variant is not present in population databases (ExAC no frequency). This sequence change replaces methionine with isoleucine at codon 279 of the TAPT1 protein (p.Met279Ile). The methionine residue is highly conserved and there is a small physicochemical difference between methionine and isoleucine. Algorithms developed to predict the effect of missense changes on protein structure and function (SIFT, PolyPhen-2, Align-GVGD) all suggest that this variant is likely to be tolerated, but these predictions have not been confirmed by published functional studies and their clinical significance is uncertain. In summary, the available evidence is currently insufficient to determine the role of this variant in disease. Therefore, it has been classified as a Variant of Uncertain Significance.

NM_153365.3(TAPT1):c.837G>A (p.Met279Ile)

Gene: TAPT1 (transmembrane anterior posterior transformation 1; minus strand). Cytogenetic location: 4p15.32.
Variant type: single nucleotide variant.
Coding change: c.837G>A on transcript NM_153365.3 (MANE Select); coding-DNA position 837, G replaced by A.
Protein change: p.Met279Ile; replaces methionine 279 with isoleucine.
Molecular consequence: missense variant.
Genome position (GRCh38, 1-based): chr4:16,186,790, C>T on the plus strand (G>A on the coding strand, the complement: TAPT1 is on the minus strand). VCF-style: chr4-16186790-C-T. GRCh37 (hg19) VCF-style: chr4-16188413-C-T.
Other names: short protein forms M279I.
Identifiers: ClinVar variation 1350797 (VCV001350797.8), dbSNP rs2149687504, ClinGen allele CA356495375.
Genomic context (GRCh38, chr4:16,186,790, plus strand): 5'-AGCTGAAATGCCTGTATAACTTCAAAAATGTAAGATAAATCTCATACTTACATTATTAGA[C>T]ATCATGATAGTAAGCAAAGACTTGTTGTGTGAGTTAAAAGCTACATTGAGAGTTGTTGCT-3'
Protein context (NP_699196.2, residues 269-289): SHNKSLLTIM[Met279Ile]SNNFVEIKGS